The following is an entry in ClinVar:

ClinVar aggregate classification (germline): Pathogenic. Review status: criteria provided, multiple submitters, no conflicts (2 of 4 stars). 3 submissions from 3 submitters: Pathogenic (2). 1 of the submissions does not count toward it. Last evaluated 2019-10-03.

Conditions:
Cohen syndrome (COH1). Also called: PEPPER SYNDROME; Cutis verticis gyrata, retinitis pigmentosa, and sensorineural deafness. Identifiers: Orphanet 193, MedGen C0265223, MONDO:0008999, OMIM 216550.

Submissions (3):

Labcorp Genetics (formerly Invitae), Labcorp
Classification: Pathogenic for Cohen syndrome. Last evaluated: 2019-10-03. Review status: criteria provided, single submitter. Criteria: Invitae Variant Classification Sherloc (09022015). Collection method: clinical testing. Allele origin: germline.
Comment: This variant is not present in population databases (ExAC no frequency). This sequence change affects an acceptor splice site in intron 60 of the VPS13B gene. It is expected to disrupt RNA splicing and likely results in an absent or disrupted protein product. For these reasons, this variant has been classified as Pathogenic. Donor and acceptor splice site variants typically lead to a loss of protein function (PMID: 16199547), and loss-of-function variants in VPS13B are known to be pathogenic (PMID: 15141358, 16648375, 20461111). Algorithms developed to predict the effect of sequence changes on RNA splicing suggest that this variant may disrupt the consensus splice site, but this prediction has not been confirmed by published transcriptional studies. This finding is consistent with autosomal recessive inheritance, and suggests that this variant contributes to disease. This variant has not been reported in the literature in individuals with VPS13B-related disease.

GeneDx
Classification: Pathogenic. Last evaluated: 2016-05-21. Review status: criteria provided, single submitter. Criteria: GeneDx Variant Classification (06012015). Collection method: clinical testing. Allele origin: germline. Affected: yes.
Comment: The c.11571-2 A>G variant in VPS13B has not been published as a pathogenic variant, nor has it been reported as a benign variant to our knowledge. c.11571-2 A>G destroys the canonical splice acceptor site in intron 60. It is predicted to cause abnormal gene splicing, either leading to an abnormal message that is subject to nonsense-mediated mRNA decay, or to an abnormal protein product if the message is used for protein translation. Neither the frameshift nor splice site variant were observed in approximately 6,500 individuals of European and African American ancestry in the NHLBI Exome Sequencing Project, indicating these are not common benign variants in these populations.

Counsyl
Classification: Likely pathogenic for Cohen syndrome. Last evaluated: 2017-06-15. Review status: no assertion criteria provided. Collection method: clinical testing. Allele origin: unknown. Not counted in ClinVar's aggregate classification.

Literature cited by the submitters: PubMed 16199547 (cited by Labcorp Genetics (formerly Invitae), Labcorp); PubMed 15141358 (cited by Labcorp Genetics (formerly Invitae), Labcorp); PubMed 16648375 (cited by Labcorp Genetics (formerly Invitae), Labcorp); PubMed 20461111 (cited by Labcorp Genetics (formerly Invitae), Labcorp).

NM_152564.5(VPS13B):c.11496-2A>G

Gene: VPS13B (vacuolar protein sorting 13 homolog B; plus strand). Cytogenetic location: 8q22.2.
Variant type: single nucleotide variant.
Coding change: c.11496-2A>G on transcript NM_152564.5 (MANE Select); the canonical splice acceptor site of the intron before coding-DNA position 11496, A replaced by G.
Molecular consequence: splice acceptor variant.
Genome position (GRCh38, 1-based): chr8:99,871,446, A>G. VCF-style: chr8-99871446-A-G. GRCh37 (hg19) VCF-style: chr8-100883674-A-G.
Other names: c.11571-2A>G (NM_017890.5).
Identifiers: ClinVar variation 449747 (VCV000449747.13), dbSNP rs1554588353, ClinGen allele CA371793793.